The following is an entry in ClinVar:

NM_003738.5(PTCH2):c.3329T>C (p.Leu1110Pro)

Gene: PTCH2 (patched 2; minus strand). Cytogenetic location: 1p34.1.
Variant type: single nucleotide variant.
Coding change: c.3329T>C on transcript NM_003738.5 (MANE Select); coding-DNA position 3329, T replaced by C.
Protein change: p.Leu1110Pro; replaces leucine 1110 with proline.
Molecular consequence: missense variant.
Genome position (GRCh38, 1-based): chr1:44,823,097, A>G on the plus strand (T>C on the coding strand, the complement: PTCH2 is on the minus strand). VCF-style: chr1-44823097-A-G. GRCh37 (hg19) VCF-style: chr1-45288769-A-G.
Other names: c.3329T>C, p.Leu1110Pro (NM_001166292.2); short protein forms L1110P.
Identifiers: ClinVar variation 2185428 (VCV002185428.4), dbSNP rs1652980269, ClinGen allele CA340105943.

ClinVar aggregate classification (germline): Uncertain significance (1 of 4 stars; one submission).

Conditions:
Gorlin syndrome. Also called: Nevoid Basal Cell Carcinoma Syndrome; Basal cell nevus syndrome. Identifiers: Orphanet 377, MedGen C0004779, MONDO:0007187.

Allele frequency attached by ClinVar (database versions not stated): TOPMed below 0.00001.

Submission:

Labcorp Genetics (formerly Invitae), Labcorp
Classification: Uncertain significance for Gorlin syndrome. Last evaluated: 2022-05-29. Review status: criteria provided, single submitter. Criteria: Invitae Variant Classification Sherloc (09022015). Collection method: clinical testing. Allele origin: germline.
Comment: In summary, the available evidence is currently insufficient to determine the role of this variant in disease. Therefore, it has been classified as a Variant of Uncertain Significance. Algorithms developed to predict the effect of missense changes on protein structure and function are either unavailable or do not agree on the potential impact of this missense change (SIFT: "Deleterious"; PolyPhen-2: "Probably Damaging"; Align-GVGD: "Class C0"). This variant has not been reported in the literature in individuals affected with PTCH2-related conditions. This variant is not present in population databases (gnomAD no frequency). This sequence change replaces leucine, which is neutral and non-polar, with proline, which is neutral and non-polar, at codon 1110 of the PTCH2 protein (p.Leu1110Pro).